The following is an entry in ClinVar:

NM_004329.3(BMPR1A):c.869-16C>T

Gene: BMPR1A (bone morphogenetic protein receptor type 1A; plus strand). Cytogenetic location: 10q23.2.
Variant type: single nucleotide variant.
Coding change: c.869-16C>T on transcript NM_004329.3 (MANE Select); 16 bases into the intron before coding-DNA position 869, C replaced by T.
Molecular consequence: intron variant.
Genome position (GRCh38, 1-based): chr10:86,919,156, C>T. VCF-style: chr10-86919156-C-T. GRCh37 (hg19) VCF-style: chr10-88678913-C-T.
Identifiers: ClinVar variation 925759 (VCV000925759.11), dbSNP rs1843620381, ClinGen allele CA913188297.

ClinVar aggregate classification (germline): Likely benign. Review status: criteria provided, multiple submitters, no conflicts (2 of 4 stars). 3 submissions from 3 submitters: Likely benign (3). Last evaluated 2025-08-13.

Conditions:
Juvenile polyposis syndrome (JPS). Identifiers: Orphanet 2929, MedGen C0345893, MONDO:0017380, OMIM 174900.
Hereditary cancer-predisposing syndrome. Also called: Hereditary Cancer Syndrome; Hereditary neoplastic syndrome; Neoplastic Syndromes, Hereditary; Tumor predisposition. Identifiers: Orphanet 140162, MedGen C0027672, MeSH D009386, MONDO:0015356.

Allele frequency attached by ClinVar (database versions not stated): gnomAD exomes 0.00001.
gnomAD v4.1: 8 of 1,613,800 alleles (0.0005%); highest among the groups gnomAD compares: Non-Finnish European, 0.00059%; no homozygotes.

Submissions (3):

Labcorp Genetics (formerly Invitae), Labcorp
Classification: Likely benign for Juvenile polyposis syndrome. Last evaluated: 2025-08-13. Review status: criteria provided, single submitter. Criteria: Invitae Variant Classification Sherloc (09022015). Collection method: clinical testing. Allele origin: germline.

Myriad Genetics, Inc.
Classification: Likely benign for Juvenile polyposis syndrome. Last evaluated: 2024-08-05. Review status: criteria provided, single submitter. Criteria: Myriad Autosomal Dominant, Autosomal Recessive and X-Linked Classification Criteria (2023). Collection method: clinical testing. Allele origin: unknown.
Comment: This variant is considered likely benign. This variant is intronic and is not expected to impact mRNA splicing.

Color Diagnostics, LLC DBA Color Health
Classification: Likely benign for Hereditary cancer-predisposing syndrome. Last evaluated: 2018-12-18. Review status: criteria provided, single submitter. Criteria: ACMG Guidelines, 2015. Collection method: clinical testing. Allele origin: germline.